The following is an entry in ClinVar:

NM_006017.3(PROM1):c.85C>T (p.Pro29Ser)

Gene: PROM1 (prominin 1; minus strand). Cytogenetic location: 4p15.32.
Variant type: single nucleotide variant.
Coding change: c.85C>T on transcript NM_006017.3 (MANE Select); coding-DNA position 85, C replaced by T.
Protein change: p.Pro29Ser; replaces proline 29 with serine.
Molecular consequence: missense variant.
Genome position (GRCh38, 1-based): chr4:16,075,822, G>A on the plus strand (C>T on the coding strand, the complement: PROM1 is on the minus strand). VCF-style: chr4-16075822-G-A. GRCh37 (hg19) VCF-style: chr4-16077445-G-A.
Other names: c.85C>T, p.Pro29Ser (NM_001145847.2, NM_001145848.2, NM_001145849.2 and 6 more transcripts); short protein forms P29S.
Identifiers: ClinVar variation 546962 (VCV000546962.52), dbSNP rs199533391, ClinGen allele CA2867192.
Genomic context (GRCh38, chr4:16,075,822, plus strand): 5'-CTTTATGGGAGTCTTGGGTCTCATAATTTGTTGCAGGCAATTCATAATTCCAAGCCTTAG[G>A]AGCATCTGTGGATGAAGGCTGCCCTCCTGAAAAGGAGTTCCCGCACAGCCCCAGCAGCAA-3'
Protein context (NP_006008.1, residues 19-39): SGGQPSSTDA[Pro29Ser]KAWNYELPAT

ClinVar aggregate classification (germline): Conflicting classifications of pathogenicity. Review status: criteria provided, conflicting classifications (1 of 4 stars). 5 submissions from 5 submitters: Uncertain significance (4); Likely benign (1). Last evaluated 2026-01-12.

Conditions:
PROM1-related disorder. Also called: PROM1-related disorders; PROM1-related condition.
Retinal dystrophy. Also called: Inherited retinal dystrophy. Identifiers: Orphanet 71862, MedGen C0854723, MeSH D058499, MONDO:0019118, HP:0000556.

Allele frequency attached by ClinVar (database versions not stated): gnomAD exomes 0.00002 and 0.00003; ExAC 0.00003; TOPMed 0.00006; gnomAD 0.00008; 1000 Genomes Project 30x 0.00016; 1000 Genomes Project 0.00020.

Submissions (5):

Labcorp Genetics (formerly Invitae), Labcorp
Classification: Uncertain significance. Last evaluated: 2026-01-12. Review status: criteria provided, single submitter. Criteria: Invitae Variant Classification Sherloc (09022015). Collection method: clinical testing. Allele origin: germline.
Comment: This sequence change replaces proline, which is neutral and non-polar, with serine, which is neutral and polar, at codon 29 of the PROM1 protein (p.Pro29Ser). This variant is present in population databases (rs199533391, gnomAD 0.006%). This missense change has been observed in individual(s) with clinical features of PROM1-related conditions (PMID: 32483926). ClinVar contains an entry for this variant (Variation ID: 546962). Invitae Evidence Modeling of protein sequence and biophysical properties (such as structural, functional, and spatial information, amino acid conservation, physicochemical variation, residue mobility, and thermodynamic stability) indicates that this missense variant is not expected to disrupt PROM1 protein function with a negative predictive value of 80%. In summary, the available evidence is currently insufficient to determine the role of this variant in disease. Therefore, it has been classified as a Variant of Uncertain Significance.

PreventionGenetics, part of Exact Sciences
Classification: Uncertain significance for PROM1-related condition. Last evaluated: 2025-10-27. Review status: criteria provided, single submitter. Criteria: ACMG Guidelines, 2015. Collection method: clinical testing. Allele origin: germline.
Comment: The PROM1 c.85C>T variant is predicted to result in the amino acid substitution p.Pro29Ser. This variant has been reported with uncertain significance in a cohort study of retinal disease (Table S12, Diñeiro et al. 2020. PubMed ID: 32483926). This variant is present in 0.0055% of alleles in individuals of European (Non-Finnish) descent in gnomAD. At this time, the clinical significance of this variant is uncertain due to the absence of conclusive functional and genetic evidence.

Blueprint Genetics
Classification: Likely benign. Last evaluated: 2024-07-15. Review status: criteria provided, single submitter. Criteria: ACMG Guidelines, 2015. Collection method: clinical testing. Allele origin: germline.

Dept Of Ophthalmology, Nagoya University
Classification: Uncertain significance for Retinal dystrophy. Last evaluated: 2023-10-01. Review status: criteria provided, single submitter. Criteria: Submitter's publication. Collection method: research. Allele origin: germline. Affected: yes.

CeGaT Center for Human Genetics Tuebingen
Classification: Uncertain significance. Last evaluated: 2017-11-01. Review status: criteria provided, single submitter. Criteria: CeGaT Center For Human Genetics Tuebingen Variant Classification Criteria Version 2. Collection method: clinical testing. Allele origin: germline. Affected: yes. Observed: 1 variant allele.

Literature cited by the submitters: PubMed 32483926 (cited by Labcorp Genetics (formerly Invitae), Labcorp).